The following is an entry in ClinVar:

ClinVar aggregate classification (germline): Conflicting classifications of pathogenicity. Review status: criteria provided, conflicting classifications (1 of 4 stars). 2 submissions from 2 submitters: Likely pathogenic (1); Uncertain significance (1). Last evaluated 2022-05-27.

Conditions:
Neurodevelopmental disorder with or without anomalies of the brain, eye, or heart (NEDBEH). Identifiers: Orphanet 494344, MedGen C5567477, MONDO:0014857, OMIM 616975.

Submissions (2):

Blueprint Genetics
Classification: Uncertain significance. Last evaluated: 2022-05-27. Review status: criteria provided, single submitter. Criteria: ACMG Guidelines, 2015. Collection method: clinical testing. Allele origin: germline.

Women's Health and Genetics/Laboratory Corporation of America, LabCorp
Classification: Likely pathogenic for Neurodevelopmental disorder with or without anomalies of the brain, eye, or heart. Last evaluated: 2022-02-04. Review status: criteria provided, single submitter. Criteria: LabCorp Variant Classification Summary - May 2015. Collection method: clinical testing. Allele origin: germline.
Comment: Variant summary: RERE c.1541-1G>T is located in a canonical splice-site and is predicted to affect mRNA splicing resulting in a significantly altered protein due to either exon skipping, shortening, or inclusion of intronic material. Several computational tools predict a significant impact on normal splicing: Four predict the variant abolishes a canonical 3' acceptor site, with two also predicting the variant creates a cryptic exonic 3' acceptor site. However, these predictions have yet to be confirmed by functional studies. The variant was absent in 250556 control chromosomes (gnomAD). To our knowledge, no occurrence of c.1541-1G>T in individuals affected with Neurodevelopmental Disorder With Or Without Anomalies Of The Brain, Eye, Or Heart and no experimental evidence demonstrating its impact on protein function have been reported. No clinical diagnostic laboratories have submitted clinical-significance assessments for this variant to ClinVar after 2014. Based on the evidence outlined above, the variant was classified as likely pathogenic.

NM_001042681.2(RERE):c.1541-1G>T

Gene: RERE (arginine-glutamic acid dipeptide repeats; minus strand). Cytogenetic location: 1p36.23.
Variant type: single nucleotide variant.
Coding change: c.1541-1G>T on transcript NM_001042681.2 (MANE Select); the canonical splice acceptor site of the intron before coding-DNA position 1541, G replaced by T.
Molecular consequence: splice acceptor variant.
Genome position (GRCh38, 1-based): chr1:8,364,256, C>A on the plus strand (G>T on the coding strand, the complement: RERE is on the minus strand). VCF-style: chr1-8364256-C-A. GRCh37 (hg19) VCF-style: chr1-8424316-C-A.
Other names: c.1541-1G>T (NM_012102.4); c.-122-1G>T (NM_001042682.2).
Identifiers: ClinVar variation 1343634 (VCV001343634.2), dbSNP rs2124375440, ClinGen allele CA338174539.